The following is an entry in ClinVar:

ClinVar aggregate classification (germline): Benign/Likely benign. Review status: criteria provided, multiple submitters, no conflicts (2 of 4 stars). 4 submissions from 4 submitters: Benign (1); Likely benign (3). Last evaluated 2024-09-10.

Conditions:
Hereditary cancer-predisposing syndrome. Also called: Hereditary Cancer Syndrome; Hereditary neoplastic syndrome; Neoplastic Syndromes, Hereditary; Tumor predisposition. Identifiers: Orphanet 140162, MedGen C0027672, MeSH D009386, MONDO:0015356.
Familial cancer of breast. Also called: hereditary breast carcinoma; BREAST CANCER, FAMILIAL; Hereditary breast cancer. Identifiers: Orphanet 227535, MedGen C0346153, MONDO:0016419, OMIM 114480. Disease mechanism: loss of function.
Fanconi anemia complementation group J. Also called: BRIP1-Related Fanconi Anemia. Identifiers: Orphanet 84, MedGen C1836860, MONDO:0012187, OMIM 609054.

Submissions (4):

Myriad Genetics, Inc.
Classification: Benign for Familial cancer of breast. Last evaluated: 2024-09-10. Review status: criteria provided, single submitter. Criteria: Myriad Autosomal Dominant, Autosomal Recessive and X-Linked Classification Criteria (2023). Collection method: clinical testing. Allele origin: unknown.
Comment: This variant is considered benign. This variant is a silent/synonymous amino acid change and it is not expected to impact splicing.

Labcorp Genetics (formerly Invitae), Labcorp
Classification: Likely benign for Familial cancer of breast; Fanconi anemia complementation group J. Last evaluated: 2022-11-25. Review status: criteria provided, single submitter. Criteria: Invitae Variant Classification Sherloc (09022015). Collection method: clinical testing. Allele origin: germline.

Ambry Genetics
Classification: Likely benign for Hereditary cancer-predisposing syndrome. Last evaluated: 2020-08-07. Review status: criteria provided, single submitter. Criteria: Ambry Variant Classification Scheme 2023. Collection method: clinical testing. Allele origin: germline.

Color Diagnostics, LLC DBA Color Health
Classification: Likely benign for Hereditary cancer-predisposing syndrome. Last evaluated: 2019-09-26. Review status: criteria provided, single submitter. Criteria: ACMG Guidelines, 2015. Collection method: clinical testing. Allele origin: germline.

NM_032043.3(BRIP1):c.3330A>G (p.Glu1110=)

Gene: BRIP1 (BRCA1 interacting DNA helicase 1; minus strand). Cytogenetic location: 17q23.2.
Variant type: single nucleotide variant.
Coding change: c.3330A>G on transcript NM_032043.3 (MANE Select); coding-DNA position 3330, A replaced by G.
Protein change: p.Glu1110=; no amino-acid change (glutamic acid 1110 retained).
Molecular consequence: synonymous variant.
Genome position (GRCh38, 1-based): chr17:61,683,716, T>C on the plus strand (A>G on the coding strand, the complement: BRIP1 is on the minus strand). VCF-style: chr17-61683716-T-C. GRCh37 (hg19) VCF-style: chr17-59761077-T-C.
Identifiers: ClinVar variation 924536 (VCV000924536.8), dbSNP rs2061311198, ClinGen allele CA501335143.